The following is an entry in ClinVar:

ClinVar aggregate classification (germline): Likely benign. Review status: criteria provided, multiple submitters, no conflicts (2 of 4 stars). 2 submissions from 2 submitters: Likely benign (2). Last evaluated 2025-11-27.

Conditions:
Congenital myasthenic syndrome 20. Also called: Myasthenic syndrome, congenital, 20, presynaptic. Identifiers: MedGen C4310694, MONDO:0014939, OMIM 617143.
Neuronopathy, distal hereditary motor, type 7A. Also called: HARPER-YOUNG MYOPATHY; HMN VIIA; NEURONOPATHY, DISTAL HEREDITARY MOTOR, HARDING TYPE VIIA; NEUROPATHY, DISTAL HEREDITARY MOTOR, HARDING TYPE VIIA; Neuronopathy, distal hereditary motor, autosomal dominant 7; Neuronopathy, distal hereditary motor, type viia. Identifiers: Orphanet 139589, MedGen C1834703, MONDO:0008024, OMIM 158580.

Allele frequency attached by ClinVar (database versions not stated): gnomAD 0.00001; gnomAD exomes 0.00001; TOPMed 0.00001.
gnomAD v4.1: 7 of 1,613,846 alleles (0.00043%); highest among the groups gnomAD compares: Non-Finnish European, 0.00059%; no homozygotes.

Submissions (2):

Labcorp Genetics (formerly Invitae), Labcorp
Classification: Likely benign for Neuronopathy, distal hereditary motor, type 7A; Congenital myasthenic syndrome 20. Last evaluated: 2025-11-27. Review status: criteria provided, single submitter. Criteria: Invitae Variant Classification Sherloc (09022015). Collection method: clinical testing. Allele origin: germline.

CeGaT Center for Human Genetics Tuebingen
Classification: Likely benign. Last evaluated: 2022-06-01. Review status: criteria provided, single submitter. Criteria: CeGaT Center For Human Genetics Tuebingen Variant Classification Criteria Version 2. Collection method: clinical testing. Allele origin: germline. Affected: yes. Observed: 1 variant allele.
Comment: SLC5A7: BP4, BP7

NM_021815.5(SLC5A7):c.864C>G (p.Ala288=)

Gene: SLC5A7 (solute carrier family 5 member 7; plus strand). Cytogenetic location: 2q12.3.
Variant type: single nucleotide variant.
Coding change: c.864C>G on transcript NM_021815.5 (MANE Select); coding-DNA position 864, C replaced by G.
Protein change: p.Ala288=; no amino-acid change (alanine 288 retained).
Molecular consequence: synonymous variant.
Genome position (GRCh38, 1-based): chr2:108,006,171, C>G. VCF-style: chr2-108006171-C-G. GRCh37 (hg19) VCF-style: chr2-108622627-C-G.
Other names: c.864C>G, p.Ala288= (NM_001305005.3); c.549C>G, p.Ala183= (NM_001305006.3); c.123C>G, p.Ala41= (NM_001305007.3).
Identifiers: ClinVar variation 1147892 (VCV001147892.31), dbSNP rs1380320655, ClinGen allele CA428082723.